The following is an entry in ClinVar:

ClinVar aggregate classification (germline): Conflicting classifications of pathogenicity. Review status: criteria provided, conflicting classifications (1 of 4 stars). 3 submissions from 3 submitters: Uncertain significance (2); Likely benign (1). Last evaluated 2026-04-27.

Allele frequency attached by ClinVar (database versions not stated): gnomAD 0.00003; gnomAD exomes 0.00007 and 0.00012; ExAC 0.00015.
gnomAD v4.1: 100 of 1,613,878 alleles (0.0062%); highest among the groups gnomAD compares: South Asian, 0.11%; no homozygotes.

Submissions (3):

Women's Health and Genetics/Laboratory Corporation of America, LabCorp
Classification: Uncertain significance. Last evaluated: 2026-04-27. Review status: criteria provided, single submitter. Criteria: LabCorp Variant Classification Summary - May 2015. Collection method: clinical testing. Allele origin: germline.
Comment: Variant summary: FLNB c.3032A>C (p.Glu1011Ala) results in a non-conservative amino acid change in the encoded protein sequence. Algorithms developed to predict the effect of missense changes on protein structure and function all suggest that this variant is likely to be disruptive. The variant allele was found at a frequency of 0.00012 in 251452 control chromosomes. This frequency is not significantly higher than estimated for disease-causing variants in FLNB, allowing no conclusion about variant significance. To our knowledge, no occurrence of c.3032A>C in individuals affected with FLNB-related conditions and no experimental evidence demonstrating its impact on protein function have been reported. ClinVar contains an entry for this variant (Variation ID: 1563590). Based on the evidence outlined above, the variant was classified as uncertain significance.

GeneDx
Classification: Uncertain significance. Last evaluated: 2023-03-02. Review status: criteria provided, single submitter. Criteria: GeneDx Variant Classification Process June 2021. Collection method: clinical testing. Allele origin: germline. Affected: yes.
Comment: In silico analysis supports that this missense variant has a deleterious effect on protein structure/function; Has not been previously published as pathogenic or benign to our knowledge

Labcorp Genetics (formerly Invitae), Labcorp
Classification: Likely benign. Last evaluated: 2021-08-14. Review status: criteria provided, single submitter. Criteria: Invitae Variant Classification Sherloc (09022015). Collection method: clinical testing. Allele origin: germline.

NM_001457.4(FLNB):c.3032A>C (p.Glu1011Ala)

Gene: FLNB (filamin B; plus strand). Cytogenetic location: 3p14.3.
Variant type: single nucleotide variant.
Coding change: c.3032A>C on transcript NM_001457.4 (MANE Select); coding-DNA position 3032, A replaced by C.
Protein change: p.Glu1011Ala; replaces glutamic acid 1011 with alanine.
Molecular consequence: missense variant.
Genome position (GRCh38, 1-based): chr3:58,121,409, A>C. VCF-style: chr3-58121409-A-C. GRCh37 (hg19) VCF-style: chr3-58107136-A-C.
Other names: c.3032A>C (NM_001457.3); c.3032A>C, p.Glu1011Ala (NM_001164317.2, NM_001164318.2, NM_001164319.2); short protein forms E1011A.
Identifiers: ClinVar variation 1563590 (VCV001563590.9), dbSNP rs754708052, ClinGen allele CA2468306.
Genomic context (GRCh38, chr3:58,121,409, plus strand): 5'-GCCTAGTGACACCTGTGACAGGCCGGGAGAACAGCACGGCCAAGTTCATCCCTCGGGAGG[A>C]GGGGCTGTATGCTGTAGACGTGACCTACGATGGACACCCTGTGCCCGGGAGCCCCTACAC-3'
Protein context (NP_001448.2, residues 1001-1021): NSTAKFIPRE[Glu1011Ala]GLYAVDVTYD